The following is an entry in ClinVar:

NM_006121.4(KRT1):c.1780_1787del (p.Gly594fs)

Gene: KRT1 (keratin 1; minus strand). Cytogenetic location: 12q13.13.
Variant type: Deletion.
Coding change: c.1780_1787del on transcript NM_006121.4 (MANE Select); coding-DNA positions 1780 to 1787, 8 bases deleted (GGCGGCGG; older notation c.1780_1787delGGCGGCGG).
Protein change: p.Gly594fs; shifts the reading frame from glycine 594.
Molecular consequence: frameshift variant.
Genome position (GRCh38, 1-based): chr12:52,675,341-52,675,348, CCGCCGCC deleted on the plus strand (GGCGGCGG on the coding strand, the reverse complement: KRT1 is on the minus strand). VCF-style (leftmost placement, unchanged base first): chr12-52675340-GCCGCCGCC-G. GRCh37 (hg19) VCF-style: chr12-53069124-GCCGCCGCC-G.
Other names: short protein forms G594fs.
Identifiers: ClinVar variation 817768 (VCV000817768.1), dbSNP rs1592264179, ClinGen allele CA915948419.

ClinVar aggregate classification (germline): Likely pathogenic (1 of 4 stars; one submission).

Submission:

GeneDx
Classification: Likely pathogenic. Last evaluated: 2018-08-01. Review status: criteria provided, single submitter. Criteria: GeneDx Variant Classification (06012015). Collection method: clinical testing. Allele origin: germline. Affected: yes.
Comment: The c.1780_1787delGGCGGCGG variant in the KRT1 gene has not been published as a pathogenic variant, nor has it been reported as a benign variant to our knowledge. The variant is not observed in large population cohorts (Lek et al., 2016). It causes a frameshift starting with codon Glycine 594, changes this amino acid to an Arginine residue and creates a premature Stop codon at position 57 of the new reading frame, denoted p.Gly594ArgfsX57. This variant replaces the final 51 amino acids with 56 incorrect amino acids. We consider this variant to be likely pathogenic.